The following is an entry in ClinVar:

NM_022114.4(PRDM16):c.649dup (p.Leu217fs)

Gene: PRDM16 (PR/SET domain 16; plus strand). Cytogenetic location: 1p36.32.
Variant type: Duplication.
Coding change: c.649dup on transcript NM_022114.4 (MANE Select); coding-DNA position 649, one base duplicated (C; older notation c.649dupC).
Protein change: p.Leu217fs; shifts the reading frame from leucine 217.
Molecular consequence: frameshift variant.
Genome position (GRCh38, 1-based): chr1:3,396,566, C duplicated; the last of 5 consecutive C bases (chr1:3,396,562-3,396,566); duplicating any one gives the same sequence. VCF-style (leftmost placement, unchanged base first): chr1-3396561-A-AC. GRCh37 (hg19) VCF-style: chr1-3313125-A-AC.
Other names: c.649dup, p.Leu217fs (NM_199454.3); short protein forms L217fs.
Identifiers: ClinVar variation 1380191 (VCV001380191.6), dbSNP rs1643389176, ClinGen allele CA2573132116.

ClinVar aggregate classification (germline): Uncertain significance (1 of 4 stars; one submission).

Conditions:
Left ventricular noncompaction 8 (LVNC8). Identifiers: Orphanet 154, Orphanet 54260, MedGen C3809288, MONDO:0014152, OMIM 615373.

Submission:

Labcorp Genetics (formerly Invitae), Labcorp
Classification: Uncertain significance for Left ventricular noncompaction 8. Last evaluated: 2021-09-08. Review status: criteria provided, single submitter. Criteria: Invitae Variant Classification Sherloc (09022015). Collection method: clinical testing. Allele origin: germline.
Comment: This sequence change creates a premature translational stop signal (p.Leu217Profs*17) in the PRDM16 gene. It is expected to result in an absent or disrupted protein product. However, the current clinical and genetic evidence is not sufficient to establish whether loss-of-function variants in PRDM16 cause disease. This variant is not present in population databases (ExAC no frequency). This variant has not been reported in the literature in individuals affected with PRDM16-related conditions. In summary, the available evidence is currently insufficient to determine the role of this variant in disease. Therefore, it has been classified as a Variant of Uncertain Significance.